The following is an entry in ClinVar:

ClinVar aggregate classification (germline): Uncertain significance (1 of 4 stars; one submission).

Conditions:
Inborn genetic diseases. Identifiers: MedGen C0950123, MeSH D030342.

Allele frequency attached by ClinVar (database versions not stated): gnomAD exomes below 0.00001.
gnomAD v4.1: 1 of 1,605,386 alleles (0.000062%); highest among the groups gnomAD compares: Non-Finnish European, 0.000085%; no homozygotes.

Submission:

Ambry Genetics
Classification: Uncertain significance for Inborn genetic diseases. Last evaluated: 2021-11-22. Review status: criteria provided, single submitter. Criteria: Ambry Variant Classification Scheme 2023. Collection method: clinical testing. Allele origin: germline.
Comment: The p.H2510R variant (also known as c.7529A>G), located in coding exon 51 of the LRRK2 gene, results from an A to G substitution at nucleotide position 7529. The histidine at codon 2510 is replaced by arginine, an amino acid with highly similar properties. This amino acid position is conserved. In addition, the in silico prediction for this alteration is inconclusive. Since supporting evidence is limited at this time, the clinical significance of this alteration remains unclear.

NM_198578.4(LRRK2):c.7529A>G (p.His2510Arg)

Gene: LRRK2 (leucine rich repeat kinase 2; plus strand). Cytogenetic location: 12q12.
Variant type: single nucleotide variant.
Coding change: c.7529A>G on transcript NM_198578.4 (MANE Select); coding-DNA position 7529, A replaced by G.
Protein change: p.His2510Arg; replaces histidine 2510 with arginine.
Molecular consequence: missense variant.
Genome position (GRCh38, 1-based): chr12:40,367,710, A>G. VCF-style: chr12-40367710-A-G. GRCh37 (hg19) VCF-style: chr12-40761512-A-G.
Other names: short protein forms H2510R.
Identifiers: ClinVar variation 1759355 (VCV001759355.2), dbSNP rs2500066160, ClinGen allele CA384416166.
Genomic context (GRCh38, chr12:40,367,710, plus strand): 5'-AATCTTGCTTGACCGTTTGGGACATCAATCTTCCACATGAAGTGCAAAATTTAGAAAAAC[A>G]CATTGAAGTGAGAAAAGAATTAGCTGAAAAAATGAGACGAACATCTGTTGAGTAAGAGAG-3'
Protein context (NP_940980.4, residues 2500-2520): LPHEVQNLEK[His2510Arg]IEVRKELAEK